The following is an entry in ClinVar:

NM_000324.3(RHAG):c.194T>C (p.Phe65Ser)

Gene: RHAG (Rh associated glycoprotein; minus strand). Cytogenetic location: 6p12.3.
Variant type: single nucleotide variant.
Coding change: c.194T>C on transcript NM_000324.3 (MANE Select); coding-DNA position 194, T replaced by C.
Protein change: p.Phe65Ser; replaces phenylalanine 65 with serine.
Molecular consequence: missense variant.
Genome position (GRCh38, 1-based): chr6:49,619,326, A>G on the plus strand (T>C on the coding strand, the complement: RHAG is on the minus strand). VCF-style: chr6-49619326-A-G. GRCh37 (hg19) VCF-style: chr6-49587039-A-G.
Other names: c.194T>C (NM_000324.2); short protein forms F65S.
Identifiers: ClinVar variation 218295 (VCV000218295.17), dbSNP rs863225468, ClinGen allele CA213352.
Genomic context (GRCh38, chr6:49,619,326, plus strand): 5'-AGTAGGTTGATACCCACACTGCTGAAGCCATATTTCTTCAGGAAGGTCATGAGGAAGCCA[A>G]ACCCAACAAATATCATAACATGTACATCTTGGAACACTGGAAAAGAGGAAAGGAAAAAAT-3'
Protein context (NP_000315.2, residues 55-75): QDVHVMIFVG[Phe65Ser]GFLMTFLKKY

ClinVar aggregate classification (germline): Pathogenic. Review status: criteria provided, multiple submitters, no conflicts (2 of 4 stars). 4 submissions from 4 submitters: Pathogenic (3). 1 of the submissions does not count toward it. Last evaluated 2025-07-01.

Conditions:
Overhydrated hereditary stomatocytosis. Identifiers: Orphanet 3203, MedGen C1861455, MONDO:0008493, OMIM 185000.

Submissions (4):

CeGaT Center for Human Genetics Tuebingen
Classification: Pathogenic. Last evaluated: 2025-07-01. Review status: criteria provided, single submitter. Criteria: CeGaT Center For Human Genetics Tuebingen Variant Classification Criteria Version 2. Collection method: clinical testing. Allele origin: germline. Affected: yes. Observed: 1 variant allele.
Comment: RHAG: PP1:Strong, PS4, PM2, PS3:Supporting

Revvity Omics, Revvity
Classification: Pathogenic. Last evaluated: 2024-08-29. Review status: criteria provided, single submitter. Criteria: ACMG Guidelines, 2015. Collection method: clinical testing. Allele origin: germline.

Mayo Clinic Laboratories, Mayo Clinic
Classification: Pathogenic. Last evaluated: 2023-01-12. Review status: criteria provided, single submitter. Criteria: ACMG Guidelines, 2015. Collection method: clinical testing. Allele origin: germline. Observed: 1 variant allele.
Comment: PP1_strong, PP3, PP5, PM2, PM6, PS3, PS4_moderate

OMIM
Classification: Pathogenic for OVERHYDRATED HEREDITARY STOMATOCYTOSIS. Last evaluated: 2013-05-01. Review status: no assertion criteria provided. Collection method: literature only. Allele origin: germline. Not counted in ClinVar's aggregate classification.

Literature cited by the submitters: PubMed 19831342 (cited by Mayo Clinic Laboratories, Mayo Clinic); PubMed 21859730 (cited by Mayo Clinic Laboratories, Mayo Clinic); PubMed 23967154 (cited by Mayo Clinic Laboratories, Mayo Clinic); Lock, S. P., Smith, R., Hardisty, R. M. Stomatocytosis: a hereditary red cell anomaly associated with haemolytic anaemia. Brit. J. Haemat. 7: 303-314, 1961. (cited by OMIM); Meadow, S. R. Stomatocytosis Proc. R. Soc. Med. 60: 13-14, 1967. (cited by OMIM); Morle, L., Pothier, B, Alloisio, N., Feo, C., Garay, R., Bost, M., Delaunay, J. Reduction of membrane band 7 and activation of volume stimulated (K+,Cl-)-cotransport in a case of congenital stomatocytosis. Brit. J. Haemat. 71: 141-146, 1989. (cited by OMIM); Fricke, B., Jarvis, H. G., Reid, C. D. L., Aguilar-Martinez, P., Robert, A., Quittet, P., Chetty, M., Pizzey, A., Cynober, T., Lande, W. F., Mentzer, W. C., von During, M., Winter, S., Delaunay, J., Stewart, G. W. Four new cases of stomatin-deficient hereditary stomatocytosis syndrome: association of the stomatin-deficient cryohydrocytosis variant with neurological dysfunction. Brit. J. Haemat. 125: 796-803, 2004. (cited by OMIM); Bruce, L. J., Guizouarn, H., Burton, N. M., Gabillat, N., Poole, J., Flatt, J. F., Brady, R. L., Borgese, F., Delaunay, J., Stewart, G. W. The monovalent cation leak in overhydrated stomatocytic red blood cells results from amino acid substitutions in the Rh-associated glycoprotein. Blood 113: 1350-1357, 2009. (cited by OMIM); Stewart, A. K., Shmukler, B. E., Vandorpe, D. H., Rivera, A., Heneghan, J. F., Li, X., Hsu, A., Karpatkin, M., O'Neill, A. F., Bauer, D. E., Heeney, M. M., John, K., Kuypers, F. A., Gallagher, P. G., Lux, S. E., Brugnara, C., Westhoff, C. M., Alper, S. L. Loss-of-function and gain-of-function phenotypes of stomatocytosis mutant RhAG F65S. Am. J. Physiol. Cell Physiol. 301: C1325-C1343, 2011. (cited by OMIM); Mentzer, W. C., Jr., Smith, W. B., Goldstone, J., Shohet, S. B. Hereditary stomatocytosis: membrane and metabolic studies. Blood 46: 659-669, 1975. (cited by OMIM); Genetet, S., Ripoche, P., Picot, J., Bigot, S., Delaunay, J., Armari-Alla, C., Colin, Y., Mouro-Chanteloup, I. Human RhAG ammonia channel is impaired by the Phe65Ser mutation in overhydrated stomatocytic red cells. Am. J. Physiol. Cell Physiol. 302: C419-C428, 2012. (cited by OMIM); Eber, S. W., Lande, W. M., Iarocci, T. A., Mentzer, W. C., Hohn, P., Wiley, J. S., Schroter, W. Hereditary stomatocytosis: consistent association with an integral membrane protein deficiency. Brit. J. Haemat. 72: 452-455, 1989. (cited by OMIM); Shmukler, B. E., Mukodzi, S., Andres, O., Eber, S., Alper, S. L. Autosomal dominant overhydrated stomatocytosis associated with the heterozygous RhAG mutation F65S: a case of missed heterozygosity due to allelic dropout. Brit. J. Haemat. 161: 602-604, 2013. (cited by OMIM).